The following is an entry in ClinVar:

NC_000012.11:g.(?_121163689)_(121177251_?)dup

Gene: ACADS (acyl-CoA dehydrogenase short chain; plus strand). Cytogenetic location: 12q24.31.
Variant type: Duplication.
Identifiers: ClinVar variation 2422135 (VCV002422135.3).

ClinVar aggregate classification (germline): Uncertain significance (1 of 4 stars; one submission).

Conditions:
Deficiency of butyryl-CoA dehydrogenase (ACADSD). Also called: SCADH DEFICIENCY; ACADS DEFICIENCY; Short-Chain Acyl-CoA Dehydrogenase Deficiency; SCAD DEFICIENCY, MILD; ACYL-CoA DEHYDROGENASE, SHORT-CHAIN, DEFICIENCY OF; SCAD Deficiency. Identifiers: Orphanet 26792, MedGen C0342783, MONDO:0008722, OMIM 201470. Disease mechanism: May be benign.

Submission:

Labcorp Genetics (formerly Invitae), Labcorp
Classification: Uncertain significance for Deficiency of butyryl-CoA dehydrogenase. Last evaluated: 2022-03-18. Review status: criteria provided, single submitter. Criteria: Invitae Variant Classification Sherloc (09022015). Collection method: clinical testing. Allele origin: germline.
Comment: A copy number gain of the genomic region encompassing the full coding sequence of the ACADS gene has been identified. The boundaries of this event are unknown as they extend beyond the assayed region for this gene and therefore may encompass additional genes. As the precise location of this event is unknown, it may be in tandem or it may be located elsewhere in the genome. This variant has not been reported in the literature in individuals affected with ACADS-related conditions. In summary, the available evidence is currently insufficient to determine the role of this variant in disease. Therefore, it has been classified as a Variant of Uncertain Significance.